The following is an entry in ClinVar:

ClinVar aggregate classification (germline): Benign/Likely benign. Review status: criteria provided, multiple submitters, no conflicts (2 of 4 stars). 8 submissions from 7 submitters: Benign (5); Likely benign (3). Last evaluated 2026-01-24.

Conditions:
Adams-Oliver syndrome 5 (AOS5). Identifiers: Orphanet 974, MedGen C4014970, MONDO:0014459, OMIM 616028.
Familial thoracic aortic aneurysm and aortic dissection (TAAD). Also called: Thoracic aortic aneurysms and dissections. Identifiers: Orphanet 91387, MedGen C4707243, MONDO:0019625.
Aortic valve disease 1 (AOVD1). Identifiers: MedGen C3887892, MONDO:0024523, OMIM 109730.

Allele frequency attached by ClinVar (database versions not stated): gnomAD exomes 0.00008 and 0.00022; ExAC 0.00033; 1000 Genomes Project 30x 0.00078; 1000 Genomes Project 0.00080; gnomAD 0.00092 and 0.00103; ESP Exome Variant Server 0.00105; TOPMed 0.00119.
gnomAD v4.1: 260 of 1,609,634 alleles (0.016%); highest among the groups gnomAD compares: African/African-American, 0.29%; no homozygotes.

Submissions (8):

Labcorp Genetics (formerly Invitae), Labcorp
Classification: Benign for Adams-Oliver syndrome 5. Last evaluated: 2026-01-24. Review status: criteria provided, single submitter. Criteria: Invitae Variant Classification Sherloc (09022015). Collection method: clinical testing. Allele origin: germline.

Mayo Clinic Laboratories, Mayo Clinic
Classification: Benign. Last evaluated: 2025-10-10. Review status: criteria provided, single submitter. Criteria: ACMG Guidelines, 2015. Collection method: clinical testing. Allele origin: germline. Observed: 1 variant allele.
Comment: BS1, BP4, BP7

Women's Health and Genetics/Laboratory Corporation of America, LabCorp
Classification: Benign. Last evaluated: 2024-07-14. Review status: criteria provided, single submitter. Criteria: LabCorp Variant Classification Summary - May 2015. Collection method: clinical testing. Allele origin: germline.

Genome-Nilou Lab
Classification: Benign for Adams-Oliver syndrome 5. Last evaluated: 2022-03-15. Review status: criteria provided, single submitter. Criteria: ACMG Guidelines, 2015. Collection method: clinical testing. Allele origin: germline. Affected: no.

Genome-Nilou Lab
Classification: Benign for Aortic valve disease 1. Last evaluated: 2022-03-15. Review status: criteria provided, single submitter. Criteria: ACMG Guidelines, 2015. Collection method: clinical testing. Allele origin: germline. Affected: no.

GeneDx
Classification: Likely benign. Last evaluated: 2021-01-14. Review status: criteria provided, single submitter. Criteria: GeneDx Variant Classification Process June 2021. Collection method: clinical testing. Allele origin: germline. Affected: yes.

Eurofins Ntd Llc (ga)
Classification: Likely benign. Last evaluated: 2017-06-12. Review status: criteria provided, single submitter. Criteria: EGL Classification Definitions 2015. Collection method: clinical testing. Allele origin: germline. Observed: 1 variant allele, 1 heterozygote.

Ambry Genetics
Classification: Likely benign for Familial thoracic aortic aneurysm and aortic dissection. Last evaluated: 2016-02-19. Review status: criteria provided, single submitter. Criteria: Ambry Variant Classification Scheme 2023. Collection method: clinical testing. Allele origin: germline.

Literature cited by the submitters: PubMed 24943832 (cited by Women's Health and Genetics/Laboratory Corporation of America, LabCorp); PubMed 16614245 (cited by Women's Health and Genetics/Laboratory Corporation of America, LabCorp); PubMed 21670202 (cited by Women's Health and Genetics/Laboratory Corporation of America, LabCorp); PubMed 22210878 (cited by Women's Health and Genetics/Laboratory Corporation of America, LabCorp); PubMed 19635999 (cited by Women's Health and Genetics/Laboratory Corporation of America, LabCorp); PubMed 26837699 (cited by Women's Health and Genetics/Laboratory Corporation of America, LabCorp); PubMed 23086750 (cited by Women's Health and Genetics/Laboratory Corporation of America, LabCorp); PubMed 19245433 (cited by Women's Health and Genetics/Laboratory Corporation of America, LabCorp); PubMed 22077063 (cited by Women's Health and Genetics/Laboratory Corporation of America, LabCorp); PubMed 15472075 (cited by Women's Health and Genetics/Laboratory Corporation of America, LabCorp); PubMed 23734977 (cited by Women's Health and Genetics/Laboratory Corporation of America, LabCorp); PubMed 22858860 (cited by Women's Health and Genetics/Laboratory Corporation of America, LabCorp).

NM_017617.5(NOTCH1):c.2604C>T (p.Val868=)

Gene: NOTCH1 (notch receptor 1; minus strand). Cytogenetic location: 9q34.3.
Variant type: single nucleotide variant.
Coding change: c.2604C>T on transcript NM_017617.5 (MANE Select); coding-DNA position 2604, C replaced by T.
Protein change: p.Val868=; no amino-acid change (valine 868 retained).
Molecular consequence: synonymous variant.
Genome position (GRCh38, 1-based): chr9:136,510,789, G>A on the plus strand (C>T on the coding strand, the complement: NOTCH1 is on the minus strand). VCF-style: chr9-136510789-G-A. GRCh37 (hg19) VCF-style: chr9-139405241-G-A.
Other names: p.Val868=; c.2604C>T, p.Val868= (LRG_1122t1).
Identifiers: ClinVar variation 241127 (VCV000241127.24), dbSNP rs115235667, ClinGen allele CA5341230.